The following is an entry in ClinVar:

ClinVar aggregate classification (germline): Pathogenic (1 of 4 stars; one submission).

Conditions:
Microcephaly 1, primary, autosomal recessive (MCPH1). Also called: PREMATURE CHROMOSOME CONDENSATION SYNDROME; PCC SYNDROME; PREMATURE CHROMOSOME CONDENSATION WITH MICROCEPHALY AND MENTAL RETARDATION. Identifiers: Orphanet 2512, MedGen C1855081, MONDO:0009617, OMIM 251200.

gnomAD v4.1: 1 of 1,613,780 alleles (0.000062%); highest among the groups gnomAD compares: Non-Finnish European, 0.000085%; no homozygotes.

Submission:

Myriad Genetics, Inc.
Classification: Pathogenic for Microcephaly 1, primary, autosomal recessive. Last evaluated: 2025-10-27. Review status: criteria provided, single submitter. Criteria: Myriad Autosomal Dominant, Autosomal Recessive and X-Linked Classification Criteria (2023). Collection method: clinical testing. Allele origin: unknown.
Comment: NM_024596.3(MCPH1):c.91C>T(Q31*) is a nonsense variant classified as pathogenic in the context of primary microcephaly, MCPH1-related. Q31* has not been observed in cases with relevant disease. Relevant functional assessments of this variant are not available in the literature. Q31* has not been observed in referenced population frequency databases. In summary, NM_024596.3(MCPH1):c.91C>T(Q31*) is a nonsense variant in a gene where loss of function is a known mechanism of disease and is predicted to disrupt protein function. Please note: this variant was assessed in the context of healthy population screening.

NM_024596.5(MCPH1):c.91C>T (p.Gln31Ter)

Gene: MCPH1 (microcephalin 1; plus strand). Cytogenetic location: 8p23.1.
Variant type: single nucleotide variant.
Coding change: c.91C>T on transcript NM_024596.5 (MANE Select); coding-DNA position 91, C replaced by T.
Protein change: p.Gln31Ter; replaces glutamine 31 with a stop codon.
Molecular consequence: nonsense. On other transcripts: 5 prime UTR variant (1), non-coding transcript variant (1).
Genome position (GRCh38, 1-based): chr8:6,409,347, C>T. VCF-style: chr8-6409347-C-T. GRCh37 (hg19) VCF-style: chr8-6266868-C-T.
Other names: c.91C>T, p.Gln31Ter (NM_001172574.2, NM_001172575.2, NM_001322042.2 and 4 more transcripts); c.85C>T, p.Gln29Ter (NM_001322043.2); c.-12C>T (NM_001322045.2); short protein forms Q31*, Q29*.
Identifiers: ClinVar variation 5003986 (VCV005003986.1).